The following is an entry in ClinVar:

NM_006017.3(PROM1):c.1984C>A (p.Pro662Thr)

Gene: PROM1 (prominin 1; minus strand). Cytogenetic location: 4p15.32.
Variant type: single nucleotide variant.
Coding change: c.1984C>A on transcript NM_006017.3 (MANE Select); coding-DNA position 1984, C replaced by A.
Protein change: p.Pro662Thr; replaces proline 662 with threonine.
Molecular consequence: missense variant.
Genome position (GRCh38, 1-based): chr4:15,989,824, G>T on the plus strand (C>A on the coding strand, the complement: PROM1 is on the minus strand). VCF-style: chr4-15989824-G-T. GRCh37 (hg19) VCF-style: chr4-15991447-G-T.
Other names: c.1957C>A, p.Pro653Thr (NM_001145847.2, NM_001145848.2, NM_001145851.2 and 4 more transcripts); c.1984C>A, p.Pro662Thr (NM_001145849.2, NM_001145850.2); short protein forms P662T, P653T.
Identifiers: ClinVar variation 962963 (VCV000962963.9), dbSNP rs1171955918, ClinGen allele CA356430355.

ClinVar aggregate classification (germline): Uncertain significance (1 of 4 stars; one submission).

Allele frequency attached by ClinVar (database versions not stated): TOPMed below 0.00001; gnomAD 0.00001.
gnomAD v4.1: 5 of 1,593,294 alleles (0.00031%); highest among the groups gnomAD compares: African/African-American, 0.004%; no homozygotes.

Submission:

Labcorp Genetics (formerly Invitae), Labcorp
Classification: Uncertain significance. Last evaluated: 2020-02-23. Review status: criteria provided, single submitter. Criteria: Invitae Variant Classification Sherloc (09022015). Collection method: clinical testing. Allele origin: germline.
Comment: This sequence change replaces proline with threonine at codon 662 of the PROM1 protein (p.Pro662Thr). The proline residue is highly conserved and there is a small physicochemical difference between proline and threonine. This variant is not present in population databases (ExAC no frequency). This variant has not been reported in the literature in individuals with PROM1-related conditions. Algorithms developed to predict the effect of missense changes on protein structure and function are either unavailable or do not agree on the potential impact of this missense change (SIFT: "Deleterious"; PolyPhen-2: "Probably Damaging"; Align-GVGD: "Class C0"). In summary, the available evidence is currently insufficient to determine the role of this variant in disease. Therefore, it has been classified as a Variant of Uncertain Significance.